The following is an entry in ClinVar:

NM_001370658.1(BTD):c.1325G>A (p.Arg442Lys)

Gene: BTD (biotinidase; plus strand). Cytogenetic location: 3p25.1.
Variant type: single nucleotide variant.
Coding change: c.1325G>A on transcript NM_001370658.1 (MANE Select); coding-DNA position 1325, G replaced by A.
Protein change: p.Arg442Lys; replaces arginine 442 with lysine.
Molecular consequence: missense variant. On other transcripts: intron variant (2).
Genome position (GRCh38, 1-based): chr3:15,645,241, G>A. VCF-style: chr3-15645241-G-A. GRCh37 (hg19) VCF-style: chr3-15686748-G-A.
Other names: c.1325G>A, p.Arg442Lys (NM_001407376.1, NM_001407377.1, NM_001407378.1 and 16 more transcripts); c.1015+310G>A (NM_001370752.1); c.399+3184G>A (NM_001370753.1); c.1385G>A, p.Arg462Lys (NM_000060.4); short protein forms R442K, R462K.
Identifiers: ClinVar variation 1419056 (VCV001419056.9), dbSNP rs2125505856, ClinGen allele CA351608712.

ClinVar aggregate classification (germline): Uncertain significance (1 of 4 stars; one submission).

Conditions:
Biotinidase deficiency. Also called: BTD deficiency; Late-onset biotin-responsive multiple carboxylase deficiency; Biotin deficiency. Identifiers: Orphanet 79241, MedGen C0220754, MONDO:0009665, OMIM 253260.

Submission:

Labcorp Genetics (formerly Invitae), Labcorp
Classification: Uncertain significance for Biotinidase deficiency. Last evaluated: 2020-12-17. Review status: criteria provided, single submitter. Criteria: Invitae Variant Classification Sherloc (09022015). Collection method: clinical testing. Allele origin: germline.
Comment: In summary, the available evidence is currently insufficient to determine the role of this variant in disease. Therefore, it has been classified as a Variant of Uncertain Significance. Algorithms developed to predict the effect of missense changes on protein structure and function output the following: SIFT: "Tolerated"; PolyPhen-2: "Benign"; Align-GVGD: "Class C0". The lysine amino acid residue is found in multiple mammalian species, suggesting that this missense change does not adversely affect protein function. These predictions have not been confirmed by published functional studies and their clinical significance is uncertain. This variant has not been reported in the literature in individuals with BTD-related conditions. This variant is not present in population databases (ExAC no frequency). This sequence change replaces arginine with lysine at codon 462 of the BTD protein (p.Arg462Lys). The arginine residue is weakly conserved and there is a small physicochemical difference between arginine and lysine.